The following is an entry in ClinVar:

ClinVar aggregate classification (germline): Pathogenic (1 of 4 stars; one submission).

Conditions:
Familial cancer of breast. Also called: Hereditary breast cancer; hereditary breast carcinoma; BREAST CANCER, FAMILIAL. Identifiers: Orphanet 227535, MedGen C0346153, MONDO:0016419, OMIM 114480. Disease mechanism: loss of function.

Submission:

Labcorp Genetics (formerly Invitae), Labcorp
Classification: Pathogenic for Familial cancer of breast. Last evaluated: 2022-10-26. Review status: criteria provided, single submitter. Criteria: Invitae Variant Classification Sherloc (09022015). Collection method: clinical testing. Allele origin: germline.
Comment: This variant is a gross deletion of the genomic region encompassing exon(s) 8 of the CHEK2 gene. This deletion is out-of-frame, and is expected to create a premature termination codon and result in an absent or disrupted protein product. Loss-of-function variants in CHEK2 are known to be pathogenic (PMID: 21876083, 24713400). This variant has not been reported in the literature in individuals affected with CHEK2-related conditions. For these reasons, this variant has been classified as Pathogenic.

Literature cited by the submitters: PubMed 21876083; PubMed 24713400.

NC_000022.11:g.(?_28703495)_(28703576_?)del

Gene: CHEK2 (checkpoint kinase 2; minus strand). Cytogenetic location: 22q12.1.
Variant type: Deletion.
Identifiers: ClinVar variation 583958 (VCV000583958.8).